The following is an entry in ClinVar:

ClinVar aggregate classification (germline): Uncertain significance (1 of 4 stars; one submission).

Submission:

ARUP Laboratories, Molecular Genetics and Genomics, ARUP Laboratories
Classification: Uncertain significance. Last evaluated: 2020-08-23. Review status: criteria provided, single submitter. Criteria: ARUP Molecular Germline Variant Investigation Process. Collection method: clinical testing. Allele origin: germline.
Comment: The SGCD c.712G>A; p.Ala238Thr variant, to our knowledge, is not reported in the medical literature or gene specific databases. This variant is also absent from general population databases (Exome Variant Server, Genome Aggregation Database), indicating it is not a common polymorphism. The alanine at codon 238 is moderately conserved, but computational analyses (SIFT:damaging, PolyPhen-2: benign) predict conflicting effects of this variant on protein structure/function. Due to limited information, the clinical significance of the p.Ala238Thr variant is uncertain at this time. Gene Statement: Pathogenic variants in SGCD are associated with autosomal recessive limb-girdle muscular dystrophy 6 (MIM: 601287) and dilated Cardiomyopathy 1L (MIM: 606685).

NM_000337.6(SGCD):c.712G>A (p.Ala238Thr)

Gene: SGCD (sarcoglycan delta; plus strand). Cytogenetic location: 5q33.3.
Variant type: single nucleotide variant.
Coding change: c.712G>A on transcript NM_000337.6 (MANE Select); coding-DNA position 712, G replaced by A.
Protein change: p.Ala238Thr; replaces alanine 238 with threonine.
Molecular consequence: missense variant.
Genome position (GRCh38, 1-based): chr5:156,759,229, G>A. VCF-style: chr5-156759229-G-A. GRCh37 (hg19) VCF-style: chr5-156186240-G-A.
Other names: c.709G>A, p.Ala237Thr (NM_001128209.2); short protein forms A237T, A238T.
Identifiers: ClinVar variation 994382 (VCV000994382.8), dbSNP rs1757448747, ClinGen allele CA362009187.
Genomic context (GRCh38, chr5:156,759,229, plus strand): 5'-AGACGACAGCCTCTGACCAATGCTTTCCTTCCTATTCTCTGTCTTTAGATTAAGTTAGAT[G>A]CTGCGAAAATCAGGCTACCTAGACTGCCTCATGGATCCTACACGCCTACAGGAACGAGGC-3'
Protein context (NP_000328.2, residues 228-248): ESKDGEIKLD[Ala238Thr]AKIRLPRLPH